The following is an entry in ClinVar:

NM_032043.3(BRIP1):c.3337A>C (p.Lys1113Gln)

Gene: BRIP1 (BRCA1 interacting DNA helicase 1; minus strand). Cytogenetic location: 17q23.2.
Variant type: single nucleotide variant.
Coding change: c.3337A>C on transcript NM_032043.3 (MANE Select); coding-DNA position 3337, A replaced by C.
Protein change: p.Lys1113Gln; replaces lysine 1113 with glutamine.
Molecular consequence: missense variant.
Genome position (GRCh38, 1-based): chr17:61,683,709, T>G on the plus strand (A>C on the coding strand, the complement: BRIP1 is on the minus strand). VCF-style: chr17-61683709-T-G. GRCh37 (hg19) VCF-style: chr17-59761070-T-G.
Other names: short protein forms K1113Q.
Identifiers: ClinVar variation 1721734 (VCV001721734.5), dbSNP rs2061310712, ClinGen allele CA400478953.

ClinVar aggregate classification (germline): Uncertain significance (1 of 4 stars; one submission).

Conditions:
Familial cancer of breast. Also called: BREAST CANCER, FAMILIAL; Hereditary breast cancer; hereditary breast carcinoma. Identifiers: Orphanet 227535, MedGen C0346153, MONDO:0016419, OMIM 114480. Disease mechanism: loss of function.
Fanconi anemia complementation group J. Also called: BRIP1-Related Fanconi Anemia. Identifiers: Orphanet 84, MedGen C1836860, MONDO:0012187, OMIM 609054.

Submission:

Labcorp Genetics (formerly Invitae), Labcorp
Classification: Uncertain significance for Familial cancer of breast; Fanconi anemia complementation group J. Last evaluated: 2022-07-14. Review status: criteria provided, single submitter. Criteria: Invitae Variant Classification Sherloc (09022015). Collection method: clinical testing. Allele origin: germline.
Comment: This sequence change replaces lysine, which is basic and polar, with glutamine, which is neutral and polar, at codon 1113 of the BRIP1 protein (p.Lys1113Gln). This variant is not present in population databases (gnomAD no frequency). This variant has not been reported in the literature in individuals affected with BRIP1-related conditions. Algorithms developed to predict the effect of missense changes on protein structure and function output the following: SIFT: "Tolerated"; PolyPhen-2: "Benign"; Align-GVGD: "Class C0". The glutamine amino acid residue is found in multiple mammalian species, which suggests that this missense change does not adversely affect protein function. In summary, the available evidence is currently insufficient to determine the role of this variant in disease. Therefore, it has been classified as a Variant of Uncertain Significance.